The following is an entry in ClinVar:

NM_000038.6(APC):c.6387G>T (p.Ser2129=)

Gene: APC (APC regulator of Wnt signaling pathway; plus strand). Cytogenetic location: 5q22.2.
Variant type: single nucleotide variant.
Coding change: c.6387G>T on transcript NM_000038.6 (MANE Select); coding-DNA position 6387, G replaced by T.
Protein change: p.Ser2129=; no amino-acid change (serine 2129 retained).
Molecular consequence: synonymous variant.
Genome position (GRCh38, 1-based): chr5:112,841,981, G>T. VCF-style: chr5-112841981-G-T. GRCh37 (hg19) VCF-style: chr5-112177678-G-T.
Other names: c.6387G>T, p.Ser2129= (NM_001127510.3, NM_001354895.2); c.6333G>T, p.Ser2111= (NM_001127511.3); c.6441G>T, p.Ser2147= (NM_001354896.2); c.6417G>T, p.Ser2139= (NM_001354897.2); c.6312G>T, p.Ser2104= (NM_001354898.2); c.6303G>T, p.Ser2101= (NM_001354899.2); c.6264G>T, p.Ser2088= (NM_001354900.2); c.6210G>T, p.Ser2070= (NM_001354901.2); and 5 more.
Identifiers: ClinVar variation 1654982 (VCV001654982.11), dbSNP rs374310157, ClinGen allele CA446210401.

ClinVar aggregate classification (germline): Benign/Likely benign. Review status: criteria provided, multiple submitters, no conflicts (2 of 4 stars). 3 submissions from 3 submitters: Benign (1); Likely benign (2). Last evaluated 2024-09-17.

Conditions:
Hereditary cancer-predisposing syndrome. Also called: Neoplastic Syndromes, Hereditary; Hereditary Cancer Syndrome; Hereditary neoplastic syndrome; Tumor predisposition. Identifiers: Orphanet 140162, MedGen C0027672, MeSH D009386, MONDO:0015356.
Familial adenomatous polyposis 1 (FAP1). Also called: POLYPOSIS, ADENOMATOUS INTESTINAL; FAMILIAL ADENOMATOUS POLYPOSIS 1, ATTENUATED. Identifiers: MedGen C2713442, MONDO:0021056, OMIM 175100. Disease mechanism: loss of function.

gnomAD v4.1: 1 of 1,612,896 alleles (0.000062%); highest among the groups gnomAD compares: Non-Finnish European, 0.000085%; no homozygotes.

Submissions (3):

Labcorp Genetics (formerly Invitae), Labcorp
Classification: Likely benign for Familial adenomatous polyposis 1. Last evaluated: 2024-09-17. Review status: criteria provided, single submitter. Criteria: Invitae Variant Classification Sherloc (09022015). Collection method: clinical testing. Allele origin: germline.

Myriad Genetics, Inc.
Classification: Benign for Familial adenomatous polyposis 1. Last evaluated: 2024-04-04. Review status: criteria provided, single submitter. Criteria: Myriad Autosomal Dominant, Autosomal Recessive and X-Linked Classification Criteria (2023). Collection method: clinical testing. Allele origin: unknown.
Comment: This variant is considered benign. This variant is a silent/synonymous amino acid change and it is not expected to impact splicing.

Ambry Genetics
Classification: Likely benign for Hereditary cancer-predisposing syndrome. Last evaluated: 2018-03-22. Review status: criteria provided, single submitter. Criteria: Ambry Variant Classification Scheme 2023. Collection method: clinical testing. Allele origin: germline.